The following is an entry in ClinVar:

ClinVar aggregate classification (germline): Likely benign. Review status: criteria provided, multiple submitters, no conflicts (2 of 4 stars). 2 submissions from 2 submitters: Likely benign (2). Last evaluated 2026-06-25.

Conditions:
GDF2-related disorder. Also called: GDF2-related condition.
Telangiectasia, hereditary hemorrhagic, type 5 (HHT5). Identifiers: Orphanet 774, MedGen C3809710, MONDO:0014217, OMIM 615506.

Allele frequency attached by ClinVar (database versions not stated): gnomAD exomes 0.00025 and 0.00012; ExAC 0.00030; 1000 Genomes Project 30x 0.00031; gnomAD below 0.00001 and 0.00005; 1000 Genomes Project 0.00020.

Submissions (2):

PreventionGenetics, part of Exact Sciences
Classification: Likely benign for GDF2-related condition. Last evaluated: 2026-06-25. Review status: criteria provided, single submitter. Criteria: ACMG Guidelines, 2015. Collection method: clinical testing. Allele origin: germline.
Comment: This variant is classified as likely benign based on ACMG/AMP sequence variant interpretation guidelines (Richards et al. 2015 PMID: 25741868, with internal and published modifications).

Labcorp Genetics (formerly Invitae), Labcorp
Classification: Likely benign for Telangiectasia, hereditary hemorrhagic, type 5. Last evaluated: 2022-09-15. Review status: criteria provided, single submitter. Criteria: Invitae Variant Classification Sherloc (09022015). Collection method: clinical testing. Allele origin: germline.

NM_016204.4(GDF2):c.1190A>G (p.Lys397Arg)

Gene: GDF2 (growth differentiation factor 2; plus strand). Cytogenetic location: 10q11.22.
Variant type: single nucleotide variant.
Coding change: c.1190A>G on transcript NM_016204.4 (MANE Select); coding-DNA position 1190, A replaced by G.
Protein change: p.Lys397Arg; replaces lysine 397 with arginine.
Molecular consequence: missense variant.
Genome position (GRCh38, 1-based): chr10:47,325,684, A>G. VCF-style: chr10-47325684-A-G. GRCh37 (hg19) VCF-style: chr10-48413678-T-C.
Other names: c.1190A>G (NM_016204.3); short protein forms K397R.
Identifiers: ClinVar variation 699774 (VCV000699774.10), dbSNP rs536912270, ClinGen allele CA5487930.
Genomic context (GRCh38, chr10:47,325,684, plus strand): 5'-AGACCCTGGTGCATCTCAAGTTCCCCACAAAGGTGGGCAAGGCCTGCTGTGTGCCCACCA[A>G]ACTGAGCCCCATCTCCGTCCTCTACAAGGATGACATGGGGGTGCCCACCCTCAAGTACCA-3'
Protein context (NP_057288.1, residues 387-407): KVGKACCVPT[Lys397Arg]LSPISVLYKD